The following is an entry in ClinVar:

NM_005458.8(GABBR2):c.2596T>A (p.Trp866Arg)

Gene: GABBR2 (gamma-aminobutyric acid type B receptor subunit 2; minus strand). Cytogenetic location: 9q22.33.
Variant type: single nucleotide variant.
Coding change: c.2596T>A on transcript NM_005458.8 (MANE Select); coding-DNA position 2596, T replaced by A.
Protein change: p.Trp866Arg; replaces tryptophan 866 with arginine.
Molecular consequence: missense variant.
Genome position (GRCh38, 1-based): chr9:98,293,849, A>T on the plus strand (T>A on the coding strand, the complement: GABBR2 is on the minus strand). VCF-style: chr9-98293849-A-T. GRCh37 (hg19) VCF-style: chr9-101056131-A-T.
Other names: short protein forms W866R.
Identifiers: ClinVar variation 3638621 (VCV003638621.2).

ClinVar aggregate classification (germline): Uncertain significance (1 of 4 stars; one submission).

Conditions:
Epileptic encephalopathy. Identifiers: MedGen C0543888, HP:0200134.

gnomAD v4.1: 1 of 1,613,334 alleles (0.000062%); highest among the groups gnomAD compares: East Asian, 0.0022%; no homozygotes.

Submission:

Labcorp Genetics (formerly Invitae), Labcorp
Classification: Uncertain significance for Epileptic encephalopathy. Last evaluated: 2024-02-03. Review status: criteria provided, single submitter. Criteria: Invitae Variant Classification Sherloc (09022015). Collection method: clinical testing. Allele origin: germline.
Comment: This sequence change replaces tryptophan, which is neutral and slightly polar, with arginine, which is basic and polar, at codon 866 of the GABBR2 protein (p.Trp866Arg). This variant is present in population databases (no rsID available, gnomAD 0.006%). This variant has not been reported in the literature in individuals affected with GABBR2-related conditions. An algorithm developed to predict the effect of missense changes on protein structure and function (PolyPhen-2) suggests that this variant is likely to be disruptive. In summary, the available evidence is currently insufficient to determine the role of this variant in disease. Therefore, it has been classified as a Variant of Uncertain Significance.